The following is an entry in ClinVar:

ClinVar aggregate classification (germline): Uncertain significance (1 of 4 stars; one submission).

Conditions:
Pseudo-Hurler polydystrophy. Also called: ML III; ML III ALPHA/BETA; MUCOLIPIDOSIS IIIA; Type III Mucolipidosis; ML IIIA; Mucolipidosis III Alpha/Beta. Identifiers: Orphanet 423461, Orphanet 577, MedGen C0033788, MONDO:0018931, OMIM 252600.
Mucolipidosis type II. Also called: ML II ALPHA/BETA; Mucolipidosis II Alpha/Beta; Mucolipidosis 2; ML 2; Inclusion cell disease; Leroy Disease. Identifiers: Orphanet 576, MedGen C2673377, MONDO:0009650, OMIM 252500.

gnomAD v4.1: 3 of 1,613,556 alleles (0.00019%); highest among the groups gnomAD compares: Non-Finnish European, 0.00025%; no homozygotes.

Submission:

Labcorp Genetics (formerly Invitae), Labcorp
Classification: Uncertain significance for Pseudo-Hurler polydystrophy; Mucolipidosis type II. Last evaluated: 2022-08-07. Review status: criteria provided, single submitter. Criteria: Invitae Variant Classification Sherloc (09022015). Collection method: clinical testing. Allele origin: germline.
Comment: In summary, the available evidence is currently insufficient to determine the role of this variant in disease. Therefore, it has been classified as a Variant of Uncertain Significance. Advanced modeling of protein sequence and biophysical properties (such as structural, functional, and spatial information, amino acid conservation, physicochemical variation, residue mobility, and thermodynamic stability) performed at Invitae indicates that this missense variant is not expected to disrupt GNPTAB protein function. This variant has not been reported in the literature in individuals affected with GNPTAB-related conditions. This variant is not present in population databases (gnomAD no frequency). This sequence change replaces serine, which is neutral and polar, with tyrosine, which is neutral and polar, at codon 253 of the GNPTAB protein (p.Ser253Tyr).

NM_024312.5(GNPTAB):c.758C>A (p.Ser253Tyr)

Gene: GNPTAB (N-acetylglucosamine-1-phosphate transferase subunits alpha and beta; minus strand). Cytogenetic location: 12q23.2.
Variant type: single nucleotide variant.
Coding change: c.758C>A on transcript NM_024312.5 (MANE Select); coding-DNA position 758, C replaced by A.
Protein change: p.Ser253Tyr; replaces serine 253 with tyrosine.
Molecular consequence: missense variant.
Genome position (GRCh38, 1-based): chr12:101,780,165, G>T on the plus strand (C>A on the coding strand, the complement: GNPTAB is on the minus strand). VCF-style: chr12-101780165-G-T. GRCh37 (hg19) VCF-style: chr12-102173943-G-T.
Other names: short protein forms S253Y.
Identifiers: ClinVar variation 1715502 (VCV001715502.5), dbSNP rs1262194867, ClinGen allele CA386304332.